The following is an entry in ClinVar:

NM_020822.3(KCNT1):c.99A>G (p.Gln33=)

Gene: KCNT1 (potassium sodium-activated channel subfamily T member 1; plus strand). Cytogenetic location: 9q34.3.
Variant type: single nucleotide variant.
Coding change: c.99A>G on transcript NM_020822.3 (MANE Select); coding-DNA position 99, A replaced by G.
Protein change: p.Gln33=; no amino-acid change (glutamine 33 retained).
Molecular consequence: synonymous variant.
Genome position (GRCh38, 1-based): chr9:135,702,357, A>G. VCF-style: chr9-135702357-A-G. GRCh37 (hg19) VCF-style: chr9-138594203-A-G.
Other names: c.99A>G, p.Gln33= (NM_001272003.2).
Identifiers: ClinVar variation 193439 (VCV000193439.94), dbSNP rs146152956, ClinGen allele CA238960.

ClinVar aggregate classification (germline): Conflicting classifications of pathogenicity. Review status: criteria provided, conflicting classifications (1 of 4 stars). 9 submissions from 9 submitters: Uncertain significance (1); Benign (2); Likely benign (4). 2 of the submissions do not count toward it. Last evaluated 2026-05-01.

Conditions:
Inborn genetic diseases. Identifiers: MedGen C0950123, MeSH D030342.
Developmental and epileptic encephalopathy, 14 (DEE14). Also called: Early infantile epileptic encephalopathy 14. Identifiers: Orphanet 293181, MedGen C3554195, MONDO:0013989, OMIM 614959.
Autosomal dominant nocturnal frontal lobe epilepsy 5. Also called: CILIARY DYSKINESIA, PRIMARY, 28, WITHOUT SITUS INVERSUS; Epilepsy, nocturnal frontal lobe, 5; KCNT1-Related Epilepsy; CILIARY DYSKINESIA, PRIMARY, 28, WITH SITUS INVERSUS. Identifiers: Orphanet 98784, MedGen C3554306, MONDO:0014002, OMIM 615005.

Allele frequency attached by ClinVar (database versions not stated): gnomAD exomes 0.00209; ExAC 0.00214; 1000 Genomes Project 0.00240; 1000 Genomes Project 30x 0.00250; ESP Exome Variant Server 0.00308; gnomAD 0.00315 and 0.00323; TOPMed 0.00344.
gnomAD v4.1: 4,230 of 1,610,794 alleles (0.26%); highest among the groups gnomAD compares: African/African-American, 0.5%; 10 homozygotes.

Submissions (9):

CeGaT Center for Human Genetics Tuebingen
Classification: Likely benign. Last evaluated: 2026-05-01. Review status: criteria provided, single submitter. Criteria: CeGaT Center For Human Genetics Tuebingen Variant Classification Criteria Version 2. Collection method: clinical testing. Allele origin: germline. Affected: yes. Observed: 19 variant alleles.
Comment: KCNT1: BP4, BP7

Labcorp Genetics (formerly Invitae), Labcorp
Classification: Benign for Autosomal dominant nocturnal frontal lobe epilepsy 5; Developmental and epileptic encephalopathy, 14. Last evaluated: 2026-02-03. Review status: criteria provided, single submitter. Criteria: Invitae Variant Classification Sherloc (09022015). Collection method: clinical testing. Allele origin: germline.

Blueprint Genetics
Classification: Likely benign. Last evaluated: 2024-11-21. Review status: criteria provided, single submitter. Criteria: ACMG Guidelines, 2015. Collection method: clinical testing. Allele origin: germline.

GeneDx
Classification: Benign. Last evaluated: 2016-08-05. Review status: criteria provided, single submitter. Criteria: GeneDx Variant Classification (06012015). Collection method: clinical testing. Allele origin: germline. Affected: yes.
Comment: This variant is considered likely benign or benign based on one or more of the following criteria: it is a conservative change, it occurs at a poorly conserved position in the protein, it is predicted to be benign by multiple in silico algorithms, and/or has population frequency not consistent with disease.

Ambry Genetics
Classification: Likely benign for Inborn genetic diseases. Last evaluated: 2016-05-03. Review status: criteria provided, single submitter. Criteria: Ambry Variant Classification Scheme 2023. Collection method: clinical testing. Allele origin: germline.

Eurofins Ntd Llc (ga)
Classification: Uncertain significance. Last evaluated: 2015-01-26. Review status: criteria provided, single submitter. Criteria: EGL Classification Definitions 2015. Collection method: clinical testing. Allele origin: germline. Observed: 2 variant alleles, 2 heterozygotes.

PreventionGenetics, part of Exact Sciences
Classification: Likely benign. Review status: criteria provided, single submitter. Criteria: ACMG Guidelines, 2015. Collection method: clinical testing. Allele origin: germline.

Diagnostic Laboratory, Department of Genetics, University Medical Center Groningen
Classification: Likely benign. Review status: no assertion criteria provided. Collection method: clinical testing. Allele origin: germline. Affected: yes. Study: VKGL Data-share Consensus. Not counted in ClinVar's aggregate classification.

Genome Diagnostics Laboratory, University Medical Center Utrecht
Classification: Likely benign. Review status: no assertion criteria provided. Collection method: clinical testing. Allele origin: germline. Affected: yes. Study: VKGL Data-share Consensus. Not counted in ClinVar's aggregate classification.